The following is an entry in ClinVar:

NM_024675.4(PALB2):c.821C>A (p.Thr274Asn)

Gene: PALB2 (partner and localizer of BRCA2; minus strand). Cytogenetic location: 16p12.2.
Variant type: single nucleotide variant.
Coding change: c.821C>A on transcript NM_024675.4 (MANE Select); coding-DNA position 821, C replaced by A.
Protein change: p.Thr274Asn; replaces threonine 274 with asparagine.
Molecular consequence: missense variant.
Genome position (GRCh38, 1-based): chr16:23,635,725, G>T on the plus strand (C>A on the coding strand, the complement: PALB2 is on the minus strand). VCF-style: chr16-23635725-G-T. GRCh37 (hg19) VCF-style: chr16-23647046-G-T.
Other names: c.761C>A, p.Thr254Asn (NM_001407296.1); c.821C>A, p.Thr274Asn (NM_001407297.1, NM_001407298.1, NM_001407299.1 and 3 more transcripts); c.-65C>A (NM_001407304.1, NM_001407305.1, NM_001407306.1 and 5 more transcripts); short protein forms T274N, T254N.
Identifiers: ClinVar variation 1762502 (VCV001762502.4), dbSNP rs867994747, ClinGen allele CA395135972.

ClinVar aggregate classification (germline): Uncertain significance. Review status: criteria provided, multiple submitters, no conflicts (2 of 4 stars). 2 submissions from 2 submitters: Uncertain significance (2). Last evaluated 2024-12-04.

Conditions:
Hereditary cancer-predisposing syndrome. Also called: Neoplastic Syndromes, Hereditary; Tumor predisposition; Hereditary Cancer Syndrome; Hereditary neoplastic syndrome. Identifiers: Orphanet 140162, MedGen C0027672, MeSH D009386, MONDO:0015356.
Familial cancer of breast. Also called: hereditary breast carcinoma; BREAST CANCER, FAMILIAL; Hereditary breast cancer. Identifiers: Orphanet 227535, MedGen C0346153, MONDO:0016419, OMIM 114480. Disease mechanism: loss of function.

Allele frequency attached by ClinVar (database versions not stated): TOPMed below 0.00001.

Submissions (2):

Labcorp Genetics (formerly Invitae), Labcorp
Classification: Uncertain significance for Familial cancer of breast. Last evaluated: 2024-12-04. Review status: criteria provided, single submitter. Criteria: Invitae Variant Classification Sherloc (09022015). Collection method: clinical testing. Allele origin: germline.
Comment: This sequence change replaces threonine, which is neutral and polar, with asparagine, which is neutral and polar, at codon 274 of the PALB2 protein (p.Thr274Asn). This variant is not present in population databases (gnomAD no frequency). This variant has not been reported in the literature in individuals affected with PALB2-related conditions. ClinVar contains an entry for this variant (Variation ID: 1762502). An algorithm developed to predict the effect of missense changes on protein structure and function (PolyPhen-2) suggests that this variant is likely to be disruptive. In summary, the available evidence is currently insufficient to determine the role of this variant in disease. Therefore, it has been classified as a Variant of Uncertain Significance.

Ambry Genetics
Classification: Uncertain significance for Hereditary cancer-predisposing syndrome. Last evaluated: 2021-03-22. Review status: criteria provided, single submitter. Criteria: Ambry Variant Classification Scheme 2023. Collection method: clinical testing. Allele origin: germline.
Comment: The p.T274N variant (also known as c.821C>A), located in coding exon 4 of the PALB2 gene, results from a C to A substitution at nucleotide position 821. The threonine at codon 274 is replaced by asparagine, an amino acid with similar properties. This amino acid position is not well conserved in available vertebrate species. In addition, this alteration is predicted to be tolerated by in silico analysis. Since supporting evidence is limited at this time, the clinical significance of this alteration remains unclear.